The following is an entry in ClinVar:

ClinVar aggregate classification (germline): Uncertain significance (1 of 4 stars; one submission).

Conditions:
Autosomal dominant childhood-onset proximal spinal muscular atrophy with contractures (SMALED2A). Also called: Spinal muscular atrophy, lower extremity-predominant, 2A, autosomal dominant; SPINAL MUSCULAR ATROPHY, LOWER EXTREMITY-PREDOMINANT, 2A, CHILDHOOD ONSET, AUTOSOMAL DOMINANT. Identifiers: Orphanet 363447, Orphanet 363454, MedGen C4747715, MONDO:0014121, OMIM 615290.

Allele frequency attached by ClinVar (database versions not stated): TOPMed below 0.00001; ExAC 0.00001; gnomAD exomes 0.00002.
gnomAD v4.1: 29 of 1,612,666 alleles (0.0018%); highest among the groups gnomAD compares: Non-Finnish European, 0.0024%; no homozygotes.

Submission:

Labcorp Genetics (formerly Invitae), Labcorp
Classification: Uncertain significance for Autosomal dominant childhood-onset proximal spinal muscular atrophy with contractures. Last evaluated: 2024-01-03. Review status: criteria provided, single submitter. Criteria: Invitae Variant Classification Sherloc (09022015). Collection method: clinical testing. Allele origin: germline.
Comment: This sequence change replaces alanine, which is neutral and non-polar, with threonine, which is neutral and polar, at codon 468 of the BICD2 protein (p.Ala468Thr). The frequency data for this variant in the population databases is considered unreliable, as metrics indicate poor data quality at this position in the gnomAD database. This variant has not been reported in the literature in individuals affected with BICD2-related conditions. Advanced modeling of protein sequence and biophysical properties (such as structural, functional, and spatial information, amino acid conservation, physicochemical variation, residue mobility, and thermodynamic stability) performed at Invitae indicates that this missense variant is not expected to disrupt BICD2 protein function with a negative predictive value of 80%. In summary, the available evidence is currently insufficient to determine the role of this variant in disease. Therefore, it has been classified as a Variant of Uncertain Significance.

NM_001003800.2(BICD2):c.1402G>A (p.Ala468Thr)

Gene: BICD2 (BICD cargo adaptor 2; minus strand). Cytogenetic location: 9q22.31.
Variant type: single nucleotide variant.
Coding change: c.1402G>A on transcript NM_001003800.2 (MANE Select); coding-DNA position 1402, G replaced by A.
Protein change: p.Ala468Thr; replaces alanine 468 with threonine.
Molecular consequence: missense variant.
Genome position (GRCh38, 1-based): chr9:92,719,243, C>T on the plus strand (G>A on the coding strand, the complement: BICD2 is on the minus strand). VCF-style: chr9-92719243-C-T. GRCh37 (hg19) VCF-style: chr9-95481525-C-T.
Other names: c.1402G>A, p.Ala468Thr (NM_015250.4); short protein forms A468T.
Identifiers: ClinVar variation 2982805 (VCV002982805.3), dbSNP rs753729502, ClinGen allele CA5126564.